The following is an entry in ClinVar:

ClinVar aggregate classification (germline): Likely benign (0 of 4 stars; one submission).

Conditions:
PEAK1-related disorder. Also called: PEAK1-related condition.

Allele frequency attached by ClinVar (database versions not stated): gnomAD 0.00001; gnomAD exomes 0.00001; TOPMed 0.00001.
gnomAD v4.1: 22 of 1,613,676 alleles (0.0014%); highest among the groups gnomAD compares: Non-Finnish European, 0.0019%; no homozygotes.

Submission:

PreventionGenetics, part of Exact Sciences
Classification: Likely benign for PEAK1-related condition. Last evaluated: 2019-05-15. Review status: no assertion criteria provided. Collection method: clinical testing. Allele origin: germline.
Comment: This variant is classified as likely benign based on ACMG/AMP sequence variant interpretation guidelines (Richards et al. 2015 PMID: 25741868, with internal and published modifications).

NM_001385026.1(PEAK1):c.4719C>T (p.Asp1573=)

Gene: PEAK1 (pseudopodium enriched atypical kinase 1; minus strand). Cytogenetic location: 15q24.3.
Variant type: single nucleotide variant.
Coding change: c.4719C>T on transcript NM_001385026.1 (MANE Select); coding-DNA position 4719, C replaced by T.
Protein change: p.Asp1573=; no amino-acid change (aspartic acid 1573 retained).
Molecular consequence: synonymous variant.
Genome position (GRCh38, 1-based): chr15:77,114,678, G>A on the plus strand (C>T on the coding strand, the complement: PEAK1 is on the minus strand). VCF-style: chr15-77114678-G-A. GRCh37 (hg19) VCF-style: chr15-77407020-G-A.
Other names: c.4719C>T, p.Asp1573= (NM_001387085.1, NM_001387086.1, NM_024776.5).
Identifiers: ClinVar variation 3041497 (VCV003041497.2), dbSNP rs747708142, ClinGen allele CA273721366.